The following is an entry in ClinVar:

ClinVar aggregate classification (germline): Likely benign (0 of 4 stars; one submission).

Conditions:
ITSN1-related disorder. Also called: ITSN1-related condition.

Allele frequency attached by ClinVar (database versions not stated): 1000 Genomes Project 30x 0.00016; ExAC 0.00004.
gnomAD v4.1: 19 of 1,614,132 alleles (0.0012%); highest among the groups gnomAD compares: East Asian, 0.011%; no homozygotes.

Submission:

PreventionGenetics, part of Exact Sciences
Classification: Likely benign for ITSN1-related condition. Last evaluated: 2022-03-09. Review status: no assertion criteria provided. Collection method: clinical testing. Allele origin: germline.
Comment: This variant is classified as likely benign based on ACMG/AMP sequence variant interpretation guidelines (Richards et al. 2015 PMID: 25741868, with internal and published modifications).

NM_003024.3(ITSN1):c.4224C>T (p.His1408=)

Gene: ITSN1 (intersectin 1; plus strand). Cytogenetic location: 21q22.11.
Variant type: single nucleotide variant.
Coding change: c.4224C>T on transcript NM_003024.3 (MANE Select); coding-DNA position 4224, C replaced by T.
Protein change: p.His1408=; no amino-acid change (histidine 1408 retained).
Molecular consequence: synonymous variant.
Genome position (GRCh38, 1-based): chr21:33,875,404, C>T. VCF-style: chr21-33875404-C-T. GRCh37 (hg19) VCF-style: chr21-35247708-C-T.
Other names: c.4209C>T, p.His1403= (NM_001331010.2).
Identifiers: ClinVar variation 3047216 (VCV003047216.2), dbSNP rs755469594, ClinGen allele CA10012374.